The following is an entry in ClinVar:

NM_015046.7(SETX):c.7287+207C>T

Genes: SETX (senataxin; minus strand), LOC126860782 (P300/CBP strongly-dependent group 1 enhancer GRCh37_chr9:135144739-135145938; plus strand). Cytogenetic location: 9q34.13.
Variant type: single nucleotide variant.
Coding change: c.7287+207C>T on transcript NM_015046.7 (MANE Select); 207 bases into the intron after coding-DNA position 7287, C replaced by T.
Molecular consequence: intron variant. On other transcripts: missense variant (1).
Genome position (GRCh38, 1-based): chr9:132,269,408, G>A on the plus strand (C>T on the coding strand, the complement: SETX is on the minus strand). VCF-style: chr9-132269408-G-A. GRCh37 (hg19) VCF-style: chr9-135144795-G-A.
Other names: c.7369C>T (NM_001351528.1); c.7369C>T, p.Leu2457Phe (NM_001351528.2); c.7287+207C>T (NM_001351527.2); short protein forms L2457F.
Identifiers: ClinVar variation 1208819 (VCV001208819.37), dbSNP rs45490698, ClinGen allele CA5296428.

ClinVar aggregate classification (germline): Likely benign. Review status: criteria provided, multiple submitters, no conflicts (2 of 4 stars). 7 submissions from 6 submitters: Likely benign (4). 3 of the submissions do not count toward it. Last evaluated 2023-06-01.

Conditions:
SETX-related disorder. Also called: SETX-related disorders; SETX-related condition. Identifiers: MedGen CN239403.
Spinocerebellar ataxia, autosomal recessive, with axonal neuropathy 2 (SCAN2). Also called: Ataxia with Oculomotor Apraxia; Ataxia-ocular apraxia-2; Ataxia with Oculomotor Apraxia Type 2; ATAXIA-OCULOMOTOR APRAXIA 2. Identifiers: Orphanet 64753, MedGen C1853761, MONDO:0018996, OMIM 606002.
Amyotrophic lateral sclerosis type 4 (ALS4). Also called: NEURONOPATHY, DISTAL HEREDITARY MOTOR, WITH PYRAMIDAL FEATURES; AMYOTROPHIC LATERAL SCLEROSIS 4, JUVENILE. Identifiers: Orphanet 357043, MedGen C1865409, MONDO:0011223, OMIM 602433.

Allele frequency attached by ClinVar (database versions not stated): 1000 Genomes Project 30x 0.00203; 1000 Genomes Project 0.00260; TOPMed 0.00346; gnomAD 0.00450 and 0.00451; ESP Exome Variant Server 0.00506; gnomAD exomes 0.00561; ExAC 0.00615.
gnomAD v4.1: 9,782 of 1,559,546 alleles (0.63%); highest among the groups gnomAD compares: Non-Finnish European, 0.7%; 55 homozygotes.

Submissions (7):

CeGaT Center for Human Genetics Tuebingen
Classification: Likely benign. Last evaluated: 2023-06-01. Review status: criteria provided, single submitter. Criteria: CeGaT Center For Human Genetics Tuebingen Variant Classification Criteria Version 2. Collection method: clinical testing. Allele origin: germline. Affected: yes. Observed: 12 variant alleles.
Comment: SETX: BS2

Genome-Nilou Lab
Classification: Likely benign for Spinocerebellar ataxia, autosomal recessive, with axonal neuropathy 2. Last evaluated: 2023-02-08. Review status: criteria provided, single submitter. Criteria: ACMG Guidelines, 2015. Collection method: clinical testing. Allele origin: germline.

Genome-Nilou Lab
Classification: Likely benign for Amyotrophic lateral sclerosis type 4. Last evaluated: 2023-02-08. Review status: criteria provided, single submitter. Criteria: ACMG Guidelines, 2015. Collection method: clinical testing. Allele origin: germline.

GeneDx
Classification: Likely benign. Last evaluated: 2018-12-24. Review status: criteria provided, single submitter. Criteria: GeneDx Variant Classification Process June 2021. Collection method: clinical testing. Allele origin: germline. Affected: yes.

PreventionGenetics, part of Exact Sciences
Classification: Benign for SETX-related condition. Last evaluated: 2023-08-30. Review status: no assertion criteria provided. Collection method: clinical testing. Allele origin: germline. Not counted in ClinVar's aggregate classification.
Comment: This variant is classified as benign based on ACMG/AMP sequence variant interpretation guidelines (Richards et al. 2015 PMID: 25741868, with internal and published modifications).

Clinical Genetics DNA and cytogenetics Diagnostics Lab, Erasmus MC, Erasmus Medical Center
Classification: Likely benign. Review status: no assertion criteria provided. Collection method: clinical testing. Allele origin: germline. Affected: yes. Study: VKGL Data-share Consensus. Not counted in ClinVar's aggregate classification.

Clinical Genetics, Academic Medical Center
Classification: Likely benign. Review status: no assertion criteria provided. Collection method: clinical testing. Allele origin: germline. Affected: yes. Study: VKGL Data-share Consensus. Not counted in ClinVar's aggregate classification.